The following is an entry in ClinVar:

NM_000238.4(KCNH2):c.621C>G (p.Ser207Arg)

Gene: KCNH2 (potassium voltage-gated channel subfamily H member 2; minus strand). Cytogenetic location: 7q36.1.
Variant type: single nucleotide variant.
Coding change: c.621C>G on transcript NM_000238.4 (MANE Select); coding-DNA position 621, C replaced by G.
Protein change: p.Ser207Arg; replaces serine 207 with arginine.
Molecular consequence: missense variant. On other transcripts: non-coding transcript variant (1).
Genome position (GRCh38, 1-based): chr7:150,958,354, G>C on the plus strand (C>G on the coding strand, the complement: KCNH2 is on the minus strand). VCF-style: chr7-150958354-G-C. GRCh37 (hg19) VCF-style: chr7-150655442-G-C.
Other names: c.333C>G, p.Ser111Arg (NM_001406753.1, NM_001406756.1); c.444C>G, p.Ser148Arg (NM_001406755.1); c.321C>G, p.Ser107Arg (NM_001406757.1); c.621C>G, p.Ser207Arg (NM_172056.3); short protein forms S111R, S107R, S207R, S148R.
Identifiers: ClinVar variation 4717015 (VCV004717015.1).

ClinVar aggregate classification (germline): Uncertain significance (1 of 4 stars; one submission).

Conditions:
Long QT syndrome (LQTS). Identifiers: MedGen C0023976, MeSH D008133, MONDO:0002442. Disease mechanism: loss of function. Inheritance: Various modes of inheritance.

Submission:

Labcorp Genetics (formerly Invitae), Labcorp
Classification: Uncertain significance for Long QT syndrome. Last evaluated: 2025-06-16. Review status: criteria provided, single submitter. Criteria: Invitae Variant Classification Sherloc (09022015). Collection method: clinical testing. Allele origin: germline.
Comment: This sequence change replaces serine, which is neutral and polar, with arginine, which is basic and polar, at codon 207 of the KCNH2 protein (p.Ser207Arg). This variant is not present in population databases (gnomAD no frequency). This variant has not been reported in the literature in individuals affected with KCNH2-related conditions. An algorithm developed to predict the effect of missense changes on protein structure and function outputs the following: PolyPhen-2: "Benign". The arginine amino acid residue is found in multiple mammalian species, which suggests that this missense change does not adversely affect protein function. In summary, the available evidence is currently insufficient to determine the role of this variant in disease. Therefore, it has been classified as a Variant of Uncertain Significance.